The following is an entry in ClinVar:

ClinVar aggregate classification (germline): Pathogenic. Review status: criteria provided, multiple submitters, no conflicts (2 of 4 stars). 2 submissions from 2 submitters: Pathogenic (2). Last evaluated 2022-05-13.

Conditions:
Cornelia de Lange syndrome 1 (CDLS1). Also called: Brachmann de Lange syndrome; NIPBL-Related Cornelia de Lange Syndrome; TYPUS DEGENERATIVUS AMSTELODAMENSIS. Identifiers: Orphanet 199, MedGen C4551851, MONDO:0007387, OMIM 122470.

Submissions (2):

Labcorp Genetics (formerly Invitae), Labcorp
Classification: Pathogenic for Cornelia de Lange syndrome 1. Last evaluated: 2022-05-13. Review status: criteria provided, single submitter. Criteria: Invitae Variant Classification Sherloc (09022015). Collection method: clinical testing. Allele origin: germline.
Comment: Studies have shown that disruption of this splice site is associated with altered splicing resulting in multiple RNA products (PMID: 24918291). For these reasons, this variant has been classified as Pathogenic. ClinVar contains an entry for this variant (Variation ID: 159089). Disruption of this splice site has been observed in individuals with Cornelia de Lange syndrome (PMID: 24918291; Invitae). This variant is not present in population databases (gnomAD no frequency). This sequence change affects a donor splice site in intron 4 of the NIPBL gene. It is expected to disrupt RNA splicing. Variants that disrupt the donor or acceptor splice site typically lead to a loss of protein function (PMID: 16199547), and loss-of-function variants in NIPBL are known to be pathogenic (PMID: 15318302, 19763162, 23505322, 29995837).

Genetic Services Laboratory, University of Chicago
Classification: Pathogenic for Cornelia de Lange syndrome 1. Last evaluated: 2013-02-08. Review status: criteria provided, single submitter. Criteria: ACMG Guidelines, 2007. Collection method: clinical testing. Allele origin: germline. Inheritance: Autosomal dominant inheritance. Affected: yes.

Literature cited by the submitters: PubMed 24918291 (cited by Labcorp Genetics (formerly Invitae), Labcorp); PubMed 16199547 (cited by Labcorp Genetics (formerly Invitae), Labcorp); PubMed 15318302 (cited by Labcorp Genetics (formerly Invitae), Labcorp); PubMed 19763162 (cited by Labcorp Genetics (formerly Invitae), Labcorp); PubMed 23505322 (cited by Labcorp Genetics (formerly Invitae), Labcorp); PubMed 29995837 (cited by Labcorp Genetics (formerly Invitae), Labcorp).

NM_133433.4(NIPBL):c.358+1G>T

Gene: NIPBL (NIPBL cohesin loading factor; plus strand). Cytogenetic location: 5p13.2.
Variant type: single nucleotide variant.
Coding change: c.358+1G>T on transcript NM_133433.4 (MANE Select); the canonical splice donor site of the intron after coding-DNA position 358, G replaced by T.
Molecular consequence: splice donor variant.
Genome position (GRCh38, 1-based): chr5:36,958,232, G>T. VCF-style: chr5-36958232-G-T. GRCh37 (hg19) VCF-style: chr5-36958334-G-T.
Other names: c.358+1G>T (NM_015384.5).
Identifiers: ClinVar variation 159089 (VCV000159089.10), dbSNP rs587783927, ClinGen allele CA272072.